The following is an entry in ClinVar:

NM_207122.2(EXT2):c.602_603del (p.Thr201fs)

Gene: EXT2 (exostosin glycosyltransferase 2; plus strand). Cytogenetic location: 11p11.2.
Variant type: Microsatellite.
Coding change: c.602_603del on transcript NM_207122.2 (MANE Select); coding-DNA positions 602 to 603, 2 bases deleted (CA; older notation c.602_603delCA).
Protein change: p.Thr201fs; shifts the reading frame from threonine 201.
Molecular consequence: frameshift variant.
Genome position (GRCh38, 1-based): chr11:44,109,259-44,109,260, CA deleted; deleting any 2 consecutive bases within chr11:44,109,256-44,109,260 gives the same sequence; the c. name uses the placement nearest the transcript's 3' end. VCF-style (leftmost placement, unchanged base first): chr11-44109255-AAC-A. GRCh37 (hg19) VCF-style: chr11-44130805-AAC-A.
Other names: c.701_702del, p.Thr234fs (NM_000401.3); c.602_603del, p.Thr201fs (NM_001178083.3); short protein forms T234fs, T201fs.
Identifiers: ClinVar variation 853100 (VCV000853100.8), dbSNP rs1954107890, ClinGen allele CA916081634.

ClinVar aggregate classification (germline): Pathogenic (1 of 4 stars; one submission).

Conditions:
Exostoses, multiple, type 2 (EXT2). Also called: EXOSTOSES, MULTIPLE, TYPE II; Hereditary Multiple Osteochondromatosis, Type II. Identifiers: Orphanet 321, MedGen C1851413, MONDO:0007586, OMIM 133701.

Submission:

Labcorp Genetics (formerly Invitae), Labcorp
Classification: Pathogenic for Exostoses, multiple, type 2. Last evaluated: 2019-03-05. Review status: criteria provided, single submitter. Criteria: Invitae Variant Classification Sherloc (09022015). Collection method: clinical testing. Allele origin: germline.
Comment: For these reasons, this variant has been classified as Pathogenic. Loss-of-function variants in EXT2 are known to be pathogenic (PMID: 10679937, 19810120). This variant has not been reported in the literature in individuals with EXT2-related conditions. This variant is not present in population databases (ExAC no frequency). This sequence change creates a premature translational stop signal (p.Thr201Serfs*33) in the EXT2 gene. It is expected to result in an absent or disrupted protein product.

Literature cited by the submitters: PubMed 10679937; PubMed 19810120.